The following is an entry in ClinVar:

NM_198334.3(GANAB):c.2769C>G (p.Thr923=)

Gene: GANAB (glucosidase II alpha subunit; minus strand). Cytogenetic location: 11q12.3.
Variant type: single nucleotide variant.
Coding change: c.2769C>G on transcript NM_198334.3 (MANE Select); coding-DNA position 2769, C replaced by G.
Protein change: p.Thr923=; no amino-acid change (threonine 923 retained).
Molecular consequence: synonymous variant.
Genome position (GRCh38, 1-based): chr11:62,625,881, G>C on the plus strand (C>G on the coding strand, the complement: GANAB is on the minus strand). VCF-style: chr11-62625881-G-C. GRCh37 (hg19) VCF-style: chr11-62393353-G-C.
Other names: c.2493C>G, p.Thr831= (NM_001278192.2); c.2427C>G, p.Thr809= (NM_001278193.2); c.2478C>G, p.Thr826= (NM_001278194.2, NM_001329222.2, NM_001329223.2); c.2046C>G, p.Thr682= (NM_001329224.2, NM_001329225.2); c.2835C>G, p.Thr945= (NM_198335.4).
Identifiers: ClinVar variation 3036581 (VCV003036581.2), dbSNP rs375587198, ClinGen allele CA6050327.

ClinVar aggregate classification (germline): Likely benign (0 of 4 stars; one submission).

Conditions:
GANAB-related disorder. Also called: GANAB-related condition.

Allele frequency attached by ClinVar (database versions not stated): ExAC 0.00002; gnomAD 0.00003; TOPMed 0.00003; ESP Exome Variant Server 0.00008; gnomAD exomes 0.00009.
gnomAD v4.1: 135 of 1,613,722 alleles (0.0084%); highest among the groups gnomAD compares: Non-Finnish European, 0.011%; no homozygotes.

Submission:

PreventionGenetics, part of Exact Sciences
Classification: Likely benign for GANAB-related condition. Last evaluated: 2020-08-04. Review status: no assertion criteria provided. Collection method: clinical testing. Allele origin: germline.
Comment: This variant is classified as likely benign based on ACMG/AMP sequence variant interpretation guidelines (Richards et al. 2015 PMID: 25741868, with internal and published modifications).